The following is an entry in ClinVar:

ClinVar aggregate classification (germline): Uncertain significance (1 of 4 stars; one submission).

Submission:

Labcorp Genetics (formerly Invitae), Labcorp
Classification: Uncertain significance. Last evaluated: 2022-07-03. Review status: criteria provided, single submitter. Criteria: Invitae Variant Classification Sherloc (09022015). Collection method: clinical testing. Allele origin: germline.
Comment: In summary, the available evidence is currently insufficient to determine the role of this variant in disease. Therefore, it has been classified as a Variant of Uncertain Significance. Advanced modeling of protein sequence and biophysical properties (such as structural, functional, and spatial information, amino acid conservation, physicochemical variation, residue mobility, and thermodynamic stability) performed at Invitae indicates that this missense variant is not expected to disrupt SMARCA2 protein function. This variant has not been reported in the literature in individuals affected with SMARCA2-related conditions. This variant is not present in population databases (gnomAD no frequency). This sequence change replaces serine, which is neutral and polar, with cysteine, which is neutral and slightly polar, at codon 670 of the SMARCA2 protein (p.Ser670Cys).

NM_003070.5(SMARCA2):c.2009C>G (p.Ser670Cys)

Gene: SMARCA2 (SWI/SNF related BAF chromatin remodeling complex subunit ATPase 2; plus strand). Cytogenetic location: 9p24.3.
Variant type: single nucleotide variant.
Coding change: c.2009C>G on transcript NM_003070.5 (MANE Select); coding-DNA position 2009, C replaced by G.
Protein change: p.Ser670Cys; replaces serine 670 with cysteine.
Molecular consequence: missense variant.
Genome position (GRCh38, 1-based): chr9:2,076,302, C>G. VCF-style: chr9-2076302-C-G. GRCh37 (hg19) VCF-style: chr9-2076302-C-G.
Other names: c.2009C>G, p.Ser670Cys (NM_001289396.2, NM_001289397.2, NM_139045.4); short protein forms S670C.
Identifiers: ClinVar variation 2013507 (VCV002013507.4), dbSNP rs2537317689, ClinGen allele CA372783552.
Genomic context (GRCh38, chr9:2,076,302, plus strand): 5'-AGTCCAGTAGGCAGGAAACCGAAGAGAAAATACTCCTGGATCCAAATAGCGAAGAAGTTT[C>G]TGAGAAGGATGCTAAGCAGATCATTGAGTATGTACTGCATTTTTCCCTTGGAAATGCATT-3'
Protein context (NP_003061.3, residues 660-680): ILLDPNSEEV[Ser670Cys]EKDAKQIIET